The following is an entry in ClinVar:

ClinVar aggregate classification (germline): Uncertain significance (1 of 4 stars; one submission).

Submission:

GeneDx
Classification: Uncertain significance. Last evaluated: 2026-04-22. Review status: criteria provided, single submitter. Criteria: GeneDx Variant Classification Process June 2021. Collection method: clinical testing. Allele origin: germline.
Comment: Not observed at significant frequency in large population cohorts (gnomAD); Nonsense variant predicted to result in protein truncation or nonsense mediated decay in a gene or region of a gene for which loss of function is not a well-established mechanism of disease; Has not been previously published as pathogenic or benign to our knowledge

NM_003458.4(BSN):c.8109C>G (p.Tyr2703Ter)

Gene: BSN (bassoon presynaptic cytomatrix protein; plus strand). Cytogenetic location: 3p21.31.
Variant type: single nucleotide variant.
Coding change: c.8109C>G on transcript NM_003458.4 (MANE Select); coding-DNA position 8109, C replaced by G.
Protein change: p.Tyr2703Ter; replaces tyrosine 2703 with a stop codon.
Molecular consequence: nonsense.
Genome position (GRCh38, 1-based): chr3:49,657,665, C>G. VCF-style: chr3-49657665-C-G. GRCh37 (hg19) VCF-style: chr3-49695098-C-G.
Other names: short protein forms Y2703*.
Identifiers: ClinVar variation 5037578 (VCV005037578.1).